The following is an entry in ClinVar:

ClinVar aggregate classification (germline): Uncertain significance (1 of 4 stars; one submission).

Submission:

Labcorp Genetics (formerly Invitae), Labcorp
Classification: Uncertain significance. Last evaluated: 2022-10-14. Review status: criteria provided, single submitter. Criteria: Invitae Variant Classification Sherloc (09022015). Collection method: clinical testing. Allele origin: germline.
Comment: This sequence change falls in intron 11 of the AP3D1 gene. It does not directly change the encoded amino acid sequence of the AP3D1 protein. It affects a nucleotide within the consensus splice site. This variant is not present in population databases (gnomAD no frequency). This variant has not been reported in the literature in individuals affected with AP3D1-related conditions. Variants that disrupt the consensus splice site are a relatively common cause of aberrant splicing (PMID: 17576681, 9536098). Algorithms developed to predict the effect of sequence changes on RNA splicing suggest that this variant is not likely to affect RNA splicing. In summary, the available evidence is currently insufficient to determine the role of this variant in disease. Therefore, it has been classified as a Variant of Uncertain Significance.

Literature cited by the submitters: PubMed 17576681; PubMed 9536098.

NM_001261826.3(AP3D1):c.955+3G>A

Gene: AP3D1 (adaptor related protein complex 3 subunit delta 1; minus strand). Cytogenetic location: 19p13.3.
Variant type: single nucleotide variant.
Coding change: c.955+3G>A on transcript NM_001261826.3 (MANE Select); 3 bases into the intron after coding-DNA position 955, G replaced by A.
Molecular consequence: intron variant.
Genome position (GRCh38, 1-based): chr19:2,123,355, C>T on the plus strand (G>A on the coding strand, the complement: AP3D1 is on the minus strand). VCF-style: chr19-2123355-C-T. GRCh37 (hg19) VCF-style: chr19-2123354-C-T.
Other names: c.955+3G>A (NM_003938.8, NM_001374799.1).
Identifiers: ClinVar variation 2035563 (VCV002035563.4), dbSNP rs2512180081, ClinGen allele CA2580096138.